The following is an entry in ClinVar:

ClinVar aggregate classification (germline): Uncertain significance (1 of 4 stars; one submission).

Conditions:
Hereditary cancer-predisposing syndrome. Also called: Tumor predisposition; Hereditary Cancer Syndrome; Hereditary neoplastic syndrome; Neoplastic Syndromes, Hereditary. Identifiers: Orphanet 140162, MedGen C0027672, MeSH D009386, MONDO:0015356.

Submissions (2):

Ambry Genetics
Classification: Uncertain significance for Hereditary cancer-predisposing syndrome. Last evaluated: 2020-11-04. Review status: criteria provided, single submitter. Criteria: Ambry Variant Classification Scheme 2023. Collection method: clinical testing. Allele origin: germline.
Comment: The p.Y1853F variant (also known as c.5558A>T), located in coding exon 22 of the BRCA1 gene, results from an A to T substitution at nucleotide position 5558. The tyrosine at codon 1853 is replaced by phenylalanine, an amino acid with highly similar properties. One functional study found that this nucleotide substitution is benign in a high throughput genome editing haploid cell survival assay (Findlay GM et al. Nature, 2018 10;562:217-222). This amino acid position is highly conserved in available vertebrate species. In addition, this alteration is predicted to be deleterious by in silico analysis. Since supporting evidence is limited at this time, the clinical significance of this alteration remains unclear.

Brotman Baty Institute, University of Washington
No classification provided (evidence only). Condition: Breast-ovarian cancer, familial 1. Review status: no classification provided. Collection method: in vitro. Allele origin: not applicable. Functional consequence: functionally_normal. Not counted in ClinVar's aggregate classification.
ClinVar note: "not provided" was previously submitted as the classification for the variant. However, the classification appeared to be based only on an observation of functional data so it was converted to no classification on 2025-07-30.

Literature cited by the submitters: PubMed 30209399 (cited by Ambry Genetics).

NM_007294.4(BRCA1):c.5558A>T (p.Tyr1853Phe)

Gene: BRCA1 (BRCA1 DNA repair associated; minus strand). Cytogenetic location: 17q21.31.
Variant type: single nucleotide variant.
Coding change: c.5558A>T on transcript NM_007294.4 (MANE Select); coding-DNA position 5558, A replaced by T.
Protein change: p.Tyr1853Phe; replaces tyrosine 1853 with phenylalanine.
Molecular consequence: missense variant. On other transcripts: 3 prime UTR variant (1), non-coding transcript variant (1).
Genome position (GRCh38, 1-based): chr17:43,045,712, T>A on the plus strand (A>T on the coding strand, the complement: BRCA1 is on the minus strand). VCF-style: chr17-43045712-T-A. GRCh37 (hg19) VCF-style: chr17-41197729-T-A.
Other names: c.5417A>T, p.Tyr1806Phe (NM_007297.4, NM_001407692.1, NM_001407729.1 and 12 more transcripts); c.2246A>T, p.Tyr749Phe (NM_007298.4, NM_007304.2, NM_001407982.1 and 11 more transcripts); c.*72A>T (NM_007299.4, NM_001407854.1, NM_001407858.1 and 14 more transcripts); c.5621A>T, p.Tyr1874Phe (NM_007300.4, NM_001407583.1, NM_001407585.1 and 1 more transcripts); c.5345A>T, p.Tyr1782Phe (NM_001407571.1, NM_001407894.1, NM_001407895.1 and 12 more transcripts); c.5624A>T, p.Tyr1875Phe (NM_001407581.1, NM_001407582.1); c.5618A>T, p.Tyr1873Phe (NM_001407590.1, NM_001407591.1); c.5558A>T, p.Tyr1853Phe (NM_001407593.1, NM_001407594.1, NM_001407596.1 and 5 more transcripts); and 74 more; short protein forms Y1806F, Y1853F, Y1874F, Y749F, Y1725F, Y1740F, Y1765F, Y1812F.
Identifiers: ClinVar variation 865017 (VCV000865017.5), dbSNP rs80357258, ClinGen allele CA10590205.